The following is an entry in ClinVar:

NM_001009944.3(PKD1):c.8414A>G (p.His2805Arg)

Gene: PKD1 (polycystin 1, transient receptor potential channel interacting; minus strand). Cytogenetic location: 16p13.3.
Variant type: single nucleotide variant.
Coding change: c.8414A>G on transcript NM_001009944.3 (MANE Select); coding-DNA position 8414, A replaced by G.
Protein change: p.His2805Arg; replaces histidine 2805 with arginine.
Molecular consequence: missense variant.
Genome position (GRCh38, 1-based): chr16:2,103,643, T>C on the plus strand (A>G on the coding strand, the complement: PKD1 is on the minus strand). VCF-style: chr16-2103643-T-C. GRCh37 (hg19) VCF-style: chr16-2153644-T-C.
Other names: c.8414A>G, p.His2805Arg (NM_000296.4); c.8414A>G (NM_000296.3); short protein forms H2805R.
Identifiers: ClinVar variation 423430 (VCV000423430.4), dbSNP rs202086892, ClinGen allele CA7830525.

ClinVar aggregate classification (germline): Uncertain significance. Review status: criteria provided, multiple submitters, no conflicts (2 of 4 stars). 3 submissions from 3 submitters: Uncertain significance (3). Last evaluated 2025-03-08.

Conditions:
Inborn genetic diseases. Identifiers: MedGen C0950123, MeSH D030342.
Polycystic kidney disease, adult type (PKD1). Also called: Polycystic Kidney Disease 1, Autosomal Dominant; Polycystic kidney disease 1; Polycystic kidney disease 1, severe; Polycystic Kidney, Autosomal Dominant; POLYCYSTIC KIDNEY DISEASE, ADULT, TYPE I; POLYCYSTIC KIDNEY DISEASE 1 WITH OR WITHOUT POLYCYSTIC LIVER DISEASE. Identifiers: MedGen C3149841, MONDO:0008263, OMIM 173900.

Allele frequency attached by ClinVar (database versions not stated): ExAC 0.00001; gnomAD exomes 0.00004; TOPMed 0.00006.
gnomAD v4.1: 55 of 1,610,214 alleles (0.0034%); highest among the groups gnomAD compares: Non-Finnish European, 0.0042%; no homozygotes.

Submissions (3):

Ambry Genetics
Classification: Uncertain significance for Inborn genetic diseases. Last evaluated: 2025-03-08. Review status: criteria provided, single submitter. Criteria: Ambry Variant Classification Scheme 2023. Collection method: clinical testing. Allele origin: germline.

Fulgent Genetics
Classification: Uncertain significance for Polycystic kidney disease, adult type. Last evaluated: 2022-03-28. Review status: criteria provided, single submitter. Criteria: ACMG Guidelines, 2015. Collection method: clinical testing. Allele origin: unknown.

GeneDx
Classification: Uncertain significance. Last evaluated: 2017-02-27. Review status: criteria provided, single submitter. Criteria: GeneDx Variant Classification (06012015). Collection method: clinical testing. Allele origin: germline. Affected: yes.
Comment: The H2805R variant in the PKD1 gene has not been reported previously as a pathogenic variant, nor as a benign variant, to our knowledge. The H2805R variant is not observed at a significant frequency in large population cohorts (Lek et al., 2016; 1000 Genomes Consortium et al., 2015; Exome Variant Server). The H2805R variant is a conservative amino acid substitution, which is not likely to impact secondary protein structure as these residues share similar properties. This substitution occurs at a position that is not conserved. In silico analysis is inconsistent in its predictions as to whether or not the variant is damaging to the protein structure/function. We interpret H2805R as a variant of uncertain significance.